The following is an entry in ClinVar:

NM_018129.4(PNPO):c.124C>T (p.Arg42Cys)

Gene: PNPO (pyridoxamine 5'-phosphate oxidase; plus strand). Cytogenetic location: 17q21.32.
Variant type: single nucleotide variant.
Coding change: c.124C>T on transcript NM_018129.4 (MANE Select); coding-DNA position 124, C replaced by T.
Protein change: p.Arg42Cys; replaces arginine 42 with cysteine.
Molecular consequence: missense variant.
Genome position (GRCh38, 1-based): chr17:47,941,799, C>T. VCF-style: chr17-47941799-C-T. GRCh37 (hg19) VCF-style: chr17-46019165-C-T.
Other names: short protein forms R42C.
Identifiers: ClinVar variation 1414857 (VCV001414857.3), dbSNP rs1291472865, ClinGen allele CA400055142.

ClinVar aggregate classification (germline): Uncertain significance (1 of 4 stars; one submission).

Conditions:
Pyridoxal phosphate-responsive seizures (PNPOD). Also called: Pyridoxine-5'-phosphate oxidase deficiency; Pyridoxal 5'-Phosphate (PLP)-Dependent Epilepsy; EPILEPTIC ENCEPHALOPATHY, NEONATAL, PNPO-RELATED; SEIZURES, PYRIDOXINE-RESISTANT, PLP-SENSITIVE; Pyridoxamine 5-Prime-Phosphate Oxidase Deficiency. Identifiers: Orphanet 79096, MedGen C1864723, MONDO:0012407, OMIM 610090. Disease mechanism: loss of function.

Allele frequency attached by ClinVar (database versions not stated): gnomAD exomes 0.00001.
gnomAD v4.1: 12 of 1,568,264 alleles (0.00077%); highest among the groups gnomAD compares: Non-Finnish European, 0.00095%; no homozygotes.

Submission:

Labcorp Genetics (formerly Invitae), Labcorp
Classification: Uncertain significance for Pyridoxal phosphate-responsive seizures. Last evaluated: 2022-02-09. Review status: criteria provided, single submitter. Criteria: Invitae Variant Classification Sherloc (09022015). Collection method: clinical testing. Allele origin: germline.
Comment: This sequence change replaces arginine, which is basic and polar, with cysteine, which is neutral and slightly polar, at codon 42 of the PNPO protein (p.Arg42Cys). This variant is not present in population databases (gnomAD no frequency). This variant has not been reported in the literature in individuals affected with PNPO-related conditions. Algorithms developed to predict the effect of missense changes on protein structure and function output the following: SIFT: "Tolerated"; PolyPhen-2: "Benign"; Align-GVGD: "Class C0". The cysteine amino acid residue is found in multiple mammalian species, which suggests that this missense change does not adversely affect protein function. In summary, the available evidence is currently insufficient to determine the role of this variant in disease. Therefore, it has been classified as a Variant of Uncertain Significance.